The following is an entry in ClinVar:

ClinVar aggregate classification (germline): Likely benign. Review status: criteria provided, multiple submitters, no conflicts (2 of 4 stars). 2 submissions from 2 submitters: Likely benign (2). Last evaluated 2025-11-16.

Conditions:
USH2A-related disorder. Also called: USH2A-related disorders; USH2A-related condition. Identifiers: MedGen CN239332.

Allele frequency attached by ClinVar (database versions not stated): gnomAD exomes below 0.00001 and 0.00001; ExAC 0.00002; gnomAD 0.00005 and 0.00006; TOPMed 0.00006; ESP Exome Variant Server 0.00015.
gnomAD v4.1: 11 of 1,612,642 alleles (0.00068%); highest among the groups gnomAD compares: African/African-American, 0.015%; no homozygotes.

Submissions (2):

PreventionGenetics, part of Exact Sciences
Classification: Likely benign for USH2A-related condition. Last evaluated: 2025-11-16. Review status: criteria provided, single submitter. Criteria: ACMG Guidelines, 2015. Collection method: clinical testing. Allele origin: germline.
Comment: This variant is classified as likely benign based on ACMG/AMP sequence variant interpretation guidelines (Richards et al. 2015 PMID: 25741868, with internal and published modifications).

Labcorp Genetics (formerly Invitae), Labcorp
Classification: Likely benign. Last evaluated: 2023-10-03. Review status: criteria provided, single submitter. Criteria: Invitae Variant Classification Sherloc (09022015). Collection method: clinical testing. Allele origin: germline.

NM_206933.4(USH2A):c.14582+15A>G

Gene: USH2A (usherin; minus strand). Cytogenetic location: 1q41.
Variant type: single nucleotide variant.
Coding change: c.14582+15A>G on transcript NM_206933.4 (MANE Select); 15 bases into the intron after coding-DNA position 14582, A replaced by G.
Molecular consequence: intron variant.
Genome position (GRCh38, 1-based): chr1:215,648,513, T>C on the plus strand (A>G on the coding strand, the complement: USH2A is on the minus strand). VCF-style: chr1-215648513-T-C. GRCh37 (hg19) VCF-style: chr1-215821855-T-C.
Other names: c.14582+15A>G (NM_206933.2).
Identifiers: ClinVar variation 1086551 (VCV001086551.10), dbSNP rs376687557, ClinGen allele CA1392990.